The following is an entry in ClinVar:

NM_000530.8(MPZ):c.68-1G>A

Gene: MPZ (myelin protein zero; minus strand). Cytogenetic location: 1q23.3.
Variant type: single nucleotide variant.
Coding change: c.68-1G>A on transcript NM_000530.8 (MANE Select); the canonical splice acceptor site of the intron before coding-DNA position 68, G replaced by A.
Molecular consequence: splice acceptor variant.
Genome position (GRCh38, 1-based): chr1:161,307,425, C>T on the plus strand (G>A on the coding strand, the complement: MPZ is on the minus strand). VCF-style: chr1-161307425-C-T. GRCh37 (hg19) VCF-style: chr1-161277215-C-T.
Other names: c.68-1G>A (NM_001315491.2).
Identifiers: ClinVar variation 655415 (VCV000655415.13), dbSNP rs1057518021, ClinGen allele CA343351747.

ClinVar aggregate classification (germline): Pathogenic/Likely pathogenic. Review status: criteria provided, multiple submitters, no conflicts (2 of 4 stars). 3 submissions from 3 submitters: Pathogenic (1); Likely pathogenic (2). Last evaluated 2023-08-22.

Conditions:
Inborn genetic diseases. Identifiers: MedGen C0950123, MeSH D030342.
Charcot-Marie-Tooth disease, type I (CMT1). Also called: Charcot-Marie-Tooth disease type 1; Charcot-Marie-Tooth, Type 1. Identifiers: Orphanet 65753, MedGen C0751036, MONDO:0019011.

Submissions (3):

Ambry Genetics
Classification: Likely pathogenic for Inborn genetic diseases. Last evaluated: 2023-08-22. Review status: criteria provided, single submitter. Criteria: Ambry Variant Classification Scheme 2023. Collection method: clinical testing. Allele origin: germline.
Comment: The c.68-1G>A intronic variant results from a G to A substitution one nucleotide before coding exon 2 of the MPZ gene. The stop codon in the predicted resulting transcript occurs in the 5' end of the MPZ gene. As such, this alteration may escape nonsense-mediated mRNA decay and/or be prone to rescue by reinitiation (Rivas, 2015; Lindeboom, 2016; Rhee, 2017). The exact functional effect of this alteration is unknown; however, the impacted region is critical for protein function (Ambry internal data). _x000D_ _x000D_ Based on the available evidence, this alteration is classified as likely pathogenic for autosomal recessive MPZ-related Dejerine-Sottas disease and autosomal dominant MPZ-related Charcot-Marie-Tooth disease, type 1; however, its clinical significance for other autosomal dominant MPZ-related neuropathic disorders is unclear. This variant was not reported in population-based cohorts in the Genome Aggregation Database (gnomAD). This nucleotide position is highly conserved in available vertebrate species. In silico splice site analysis predicts that this alteration will weaken the native splice acceptor site and will result in the creation or strengthening of a novel splice acceptor site. Based on the available evidence, this alteration is classified as likely pathogenic.

Mayo Clinic Laboratories, Mayo Clinic
Classification: Pathogenic. Last evaluated: 2020-02-27. Review status: criteria provided, single submitter. Criteria: ACMG Guidelines, 2015. Collection method: clinical testing. Allele origin: germline. Observed: 1 variant allele.
Comment: PVS1, PM2, PP4

Labcorp Genetics (formerly Invitae), Labcorp
Classification: Likely pathogenic for Charcot-Marie-Tooth disease, type I. Last evaluated: 2018-10-19. Review status: criteria provided, single submitter. Criteria: Invitae Variant Classification Sherloc (09022015). Collection method: clinical testing. Allele origin: germline.
Comment: In summary, the currently available evidence indicates that the variant is pathogenic, but additional data are needed to prove that conclusively. Therefore, this variant has been classified as Likely Pathogenic. Donor and acceptor splice site variants typically lead to a loss of protein function (PMID: 16199547), and loss-of-function variants in MPZ are known to be pathogenic (PMID: 14711881). This variant has not been reported in the literature in individuals with MPZ-related disease. This variant is not present in population databases (ExAC no frequency). This sequence change affects an acceptor splice site in intron 1 of the MPZ gene. It is expected to disrupt RNA splicing and likely results in an absent or disrupted protein product.

Literature cited by the submitters: PubMed 25954003 (cited by Ambry Genetics); PubMed 27618451 (cited by Ambry Genetics); PubMed 28490743 (cited by Ambry Genetics); PubMed 16199547 (cited by Labcorp Genetics (formerly Invitae), Labcorp); PubMed 14711881 (cited by Labcorp Genetics (formerly Invitae), Labcorp).